The following is an entry in ClinVar:

ClinVar aggregate classification (germline): Likely benign (1 of 4 stars; one submission).

gnomAD v4.1: 42 of 1,607,200 alleles (0.0026%); highest among the groups gnomAD compares: South Asian, 0.027%; 2 homozygotes.

Submission:

CeGaT Center for Human Genetics Tuebingen
Classification: Likely benign. Last evaluated: 2026-04-01. Review status: criteria provided, single submitter. Criteria: CeGaT Center For Human Genetics Tuebingen Variant Classification Criteria Version 2. Collection method: clinical testing. Allele origin: germline. Affected: yes. Observed: 1 variant allele.
Comment: SIX5: BS2

NM_175875.5(SIX5):c.950C>T (p.Ala317Val)

Genes: SIX5 (SIX homeobox 5; minus strand), LOC107075317 (origin of replication in DMPK trinucleotide repeat region; plus strand). Cytogenetic location: 19q13.32.
Variant type: single nucleotide variant.
Coding change: c.950C>T on transcript NM_175875.5 (MANE Select); coding-DNA position 950, C replaced by T.
Protein change: p.Ala317Val; replaces alanine 317 with valine.
Molecular consequence: missense variant.
Genome position (GRCh38, 1-based): chr19:45,767,009, G>A on the plus strand (C>T on the coding strand, the complement: SIX5 is on the minus strand). VCF-style: chr19-45767009-G-A. GRCh37 (hg19) VCF-style: chr19-46270267-G-A.
Other names: short protein forms A317V.
Identifiers: ClinVar variation 4822246 (VCV004822246.4).